The following is an entry in ClinVar:

ClinVar aggregate classification (germline): Uncertain significance (1 of 4 stars; one submission).

Conditions:
Baller-Gerold syndrome (BGS). Also called: CRANIOSYNOSTOSIS WITH RADIAL DEFECTS. Identifiers: Orphanet 1225, MedGen C0265308, MONDO:0009039, OMIM 218600.

Submission:

Labcorp Genetics (formerly Invitae), Labcorp
Classification: Uncertain significance for Baller-Gerold syndrome. Last evaluated: 2023-04-28. Review status: criteria provided, single submitter. Criteria: Invitae Variant Classification Sherloc (09022015). Collection method: clinical testing. Allele origin: germline.
Comment: In summary, the available evidence is currently insufficient to determine the role of this variant in disease. Therefore, it has been classified as a Variant of Uncertain Significance. Advanced modeling of protein sequence and biophysical properties (such as structural, functional, and spatial information, amino acid conservation, physicochemical variation, residue mobility, and thermodynamic stability) performed at Invitae indicates that this missense variant is not expected to disrupt RECQL4 protein function. This variant has not been reported in the literature in individuals affected with RECQL4-related conditions. This variant is not present in population databases (gnomAD no frequency). This sequence change replaces histidine, which is basic and polar, with proline, which is neutral and non-polar, at codon 665 of the RECQL4 protein (p.His665Pro).

NM_004260.4(RECQL4):c.1994A>C (p.His665Pro)

Gene: RECQL4 (RecQ like helicase 4; minus strand). Cytogenetic location: 8q24.3.
Variant type: single nucleotide variant.
Coding change: c.1994A>C on transcript NM_004260.4 (MANE Select); coding-DNA position 1994, A replaced by C.
Protein change: p.His665Pro; replaces histidine 665 with proline.
Molecular consequence: missense variant. On other transcripts: non-coding transcript variant (3).
Genome position (GRCh38, 1-based): chr8:144,513,992, T>G on the plus strand (A>C on the coding strand, the complement: RECQL4 is on the minus strand). VCF-style: chr8-144513992-T-G. GRCh37 (hg19) VCF-style: chr8-145739376-T-G.
Other names: c.1898A>C, p.His633Pro (NM_001413017.1, NM_001413020.1); c.1994A>C, p.His665Pro (NM_001413018.1, NM_001413019.1, NM_001413036.1); c.923A>C, p.His308Pro (NM_001413021.1, NM_001413022.1, NM_001413023.1 and 6 more transcripts); c.1865A>C, p.His622Pro (NM_001413025.1); c.857A>C, p.His286Pro (NM_001413027.1, NM_001413030.1, NM_001413032.1 and 1 more transcripts); c.1643A>C, p.His548Pro (NM_001413029.1); c.725A>C, p.His242Pro (NM_001413031.1); c.1862A>C, p.His621Pro (NM_001413033.1); and 4 more; short protein forms H548P, H176P, H286P, H298P, H655P, H622P, H242P, H264P.
Identifiers: ClinVar variation 2860163 (VCV002860163.3), dbSNP rs1554899274, ClinGen allele CA372680345.